The following is an entry in ClinVar:

ClinVar aggregate classification (germline): Pathogenic/Likely pathogenic. Review status: criteria provided, multiple submitters, no conflicts (2 of 4 stars). 3 submissions from 3 submitters: Pathogenic (1); Likely pathogenic (2). Last evaluated 2022-09-01.

Conditions:
Intellectual developmental disorder, autosomal dominant 6, with or without seizures. Also called: Intellectual disability, autosomal dominant 6; GRIN2B-related developmental delay, intellectual disability and autism spectrum disorder. Identifiers: Orphanet 589547, MedGen C3151411, MONDO:0013509, OMIM 613970.
Developmental and epileptic encephalopathy, 27 (DEE27). Also called: Epileptic encephalopathy, early infantile, 27; GRIN2B-Related Neurodevelopmental Disorder. Identifiers: Orphanet 3451, MedGen C4015316, MONDO:0014505, OMIM 616139.

Submissions (3):

3billion
Classification: Likely pathogenic for Intellectual developmental disorder, autosomal dominant 6, with or without seizures. Last evaluated: 2022-09-01. Review status: criteria provided, single submitter. Criteria: ACMG Guidelines, 2015. Collection method: clinical testing. Allele origin: germline. Affected: yes. Observed: 1 heterozygote.
Comment: The variant is not observed in the gnomAD v2.1.1 dataset. Missense changes are a common disease-causing mechanism. In silico tool predictions suggest damaging effect of the variant on gene or gene product (REVEL: 0.89; 3Cnet: 1.00). Same nucleotide change resulting in same amino acid change has been previously reported as likely pathogenic (ClinVar ID: VCV000928560). Therefore, this variant is classified as Likely pathogenic according to the recommendation of ACMG/AMP guideline.

Labcorp Genetics (formerly Invitae), Labcorp
Classification: Pathogenic for Developmental and epileptic encephalopathy, 27; Intellectual developmental disorder, autosomal dominant 6, with or without seizures. Last evaluated: 2022-08-16. Review status: criteria provided, single submitter. Criteria: Invitae Variant Classification Sherloc (09022015). Collection method: clinical testing. Allele origin: germline.
Comment: For these reasons, this variant has been classified as Pathogenic. Advanced modeling of protein sequence and biophysical properties (such as structural, functional, and spatial information, amino acid conservation, physicochemical variation, residue mobility, and thermodynamic stability) performed at Invitae indicates that this missense variant is expected to disrupt GRIN2B protein function. ClinVar contains an entry for this variant (Variation ID: 928560). This missense change has been observed in individual(s) with clinical features of GRIN2B-related conditions (Invitae). In at least one individual the variant was observed to be de novo. This variant is not present in population databases (gnomAD no frequency). This sequence change replaces tryptophan, which is neutral and slightly polar, with arginine, which is basic and polar, at codon 559 of the GRIN2B protein (p.Trp559Arg).

Women's Health and Genetics/Laboratory Corporation of America, LabCorp
Classification: Likely pathogenic for Mental retardation, autosomal dominant 6. Last evaluated: 2019-03-05. Review status: criteria provided, single submitter. Criteria: LabCorp Variant Classification Summary - May 2015. Collection method: clinical testing. Allele origin: germline.
Comment: Variant summary: The variant, GRIN2B c.1675T>C (p.Trp559Arg) results in a non-conservative amino acid change located in the Ionotropic glutamate receptor domain of the encoded protein sequence. Five of five in-silico tools predict a damaging effect of the variant on protein function. The variant was absent in 277128 control chromosomes (gnomAD). The available data on variant occurrences in the general population are insufficient to allow any conclusion about variant significance. To our knowledge, no occurrence of c.1675T>C in individuals affected with Mental retardation, autosomal dominant 6 and no experimental evidence demonstrating its impact on protein function have been reported. No clinical diagnostic laboratories have submitted clinical-significance assessments for this variant to ClinVar after 2014. Based on the evidence outlined above, the variant was classified as likely pathogenic.

NM_000834.5(GRIN2B):c.1675T>C (p.Trp559Arg)

Gene: GRIN2B (glutamate ionotropic receptor NMDA type subunit 2B; minus strand). Cytogenetic location: 12p13.1.
Variant type: single nucleotide variant.
Coding change: c.1675T>C on transcript NM_000834.5 (MANE Select); coding-DNA position 1675, T replaced by C.
Protein change: p.Trp559Arg; replaces tryptophan 559 with arginine.
Molecular consequence: missense variant.
Genome position (GRCh38, 1-based): chr12:13,611,830, A>G on the plus strand (T>C on the coding strand, the complement: GRIN2B is on the minus strand). VCF-style: chr12-13611830-A-G. GRCh37 (hg19) VCF-style: chr12-13764764-A-G.
Other names: short protein forms W559R.
Identifiers: ClinVar variation 928560 (VCV000928560.12), dbSNP rs1949368959, ClinGen allele CA384051607.